The following is an entry in ClinVar:

ClinVar aggregate classification (germline): Conflicting classifications of pathogenicity. Review status: criteria provided, conflicting classifications (1 of 4 stars). 6 submissions from 6 submitters: Uncertain significance (5); Likely benign (1). Last evaluated 2025-01-07.

Conditions:
Early-infantile DEE. Also called: Early infantile epileptic encephalopathy; Ohtahara syndrome; Early infantile epileptic encephalopathy with suppression bursts. Identifiers: Orphanet 1934, MedGen C0393706, MONDO:0800491.
Inborn genetic diseases. Identifiers: MedGen C0950123, MeSH D030342.
Developmental and epileptic encephalopathy, 5 (DEE5). Identifiers: Orphanet 3451, MedGen C3150731, MONDO:0013277, OMIM 613477.

Allele frequency attached by ClinVar (database versions not stated): TOPMed below 0.00001; gnomAD 0.00001.
gnomAD v4.1: 1 of 1,613,976 alleles (0.000062%); highest among the groups gnomAD compares: Admixed American, 0.0017%; no homozygotes.

Submissions (6):

Ambry Genetics
Classification: Uncertain significance for Inborn genetic diseases. Last evaluated: 2025-01-07. Review status: criteria provided, single submitter. Criteria: Ambry Variant Classification Scheme 2023. Collection method: clinical testing. Allele origin: germline.

Labcorp Genetics (formerly Invitae), Labcorp
Classification: Uncertain significance for Early-infantile DEE. Last evaluated: 2024-02-21. Review status: criteria provided, single submitter. Criteria: Invitae Variant Classification Sherloc (09022015). Collection method: clinical testing. Allele origin: germline.
Comment: This sequence change replaces glutamic acid, which is acidic and polar, with lysine, which is basic and polar, at codon 867 of the SPTAN1 protein (p.Glu867Lys). This variant is not present in population databases (gnomAD no frequency). This variant has not been reported in the literature in individuals affected with SPTAN1-related conditions. ClinVar contains an entry for this variant (Variation ID: 448475). Advanced modeling of protein sequence and biophysical properties (such as structural, functional, and spatial information, amino acid conservation, physicochemical variation, residue mobility, and thermodynamic stability) has been performed at Invitae for this missense variant, however the output from this modeling did not meet the statistical confidence thresholds required to predict the impact of this variant on SPTAN1 protein function. In summary, the available evidence is currently insufficient to determine the role of this variant in disease. Therefore, it has been classified as a Variant of Uncertain Significance.

CeGaT Center for Human Genetics Tuebingen
Classification: Uncertain significance. Last evaluated: 2022-08-01. Review status: criteria provided, single submitter. Criteria: CeGaT Center For Human Genetics Tuebingen Variant Classification Criteria Version 2. Collection method: clinical testing. Allele origin: germline. Affected: yes. Observed: 1 variant allele.
Comment: SPTAN1: PP2

Genome-Nilou Lab
Classification: Uncertain significance for Developmental and epileptic encephalopathy, 5. Last evaluated: 2021-07-15. Review status: criteria provided, single submitter. Criteria: ACMG Guidelines, 2015. Collection method: clinical testing. Allele origin: germline. Affected: no.

GeneDx
Classification: Likely benign. Last evaluated: 2018-09-19. Review status: criteria provided, single submitter. Criteria: GeneDx Variant Classification Process June 2021. Collection method: clinical testing. Allele origin: germline. Affected: yes.

Athena Diagnostics
Classification: Uncertain significance. Last evaluated: 2016-10-12. Review status: criteria provided, single submitter. Criteria: Athena Diagnostics Criteria. Collection method: clinical testing. Allele origin: germline.

NM_001130438.3(SPTAN1):c.2599G>A (p.Glu867Lys)

Gene: SPTAN1 (spectrin alpha, non-erythrocytic 1; plus strand). Cytogenetic location: 9q34.11.
Variant type: single nucleotide variant.
Coding change: c.2599G>A on transcript NM_001130438.3 (MANE Select); coding-DNA position 2599, G replaced by A.
Protein change: p.Glu867Lys; replaces glutamic acid 867 with lysine.
Molecular consequence: missense variant.
Genome position (GRCh38, 1-based): chr9:128,585,786, G>A. VCF-style: chr9-128585786-G-A. GRCh37 (hg19) VCF-style: chr9-131348065-G-A.
Other names: c.2599G>A, p.Glu867Lys (NM_001195532.2, NM_001363759.2, NM_001363765.2 and 1 more transcripts); short protein forms E867K.
Identifiers: ClinVar variation 448475 (VCV000448475.31), dbSNP rs1339046005, ClinGen allele CA375058123.
Genomic context (GRCh38, chr9:128,585,786, plus strand): 5'-TCTTTCCCTACCCATCTTCCAGGCCATTTTGCTGCAGAGGATGTGAAGGCCAAGCTTCAC[G>A]AGCTGAACCAAAAGTGGGAGGCACTGAAAGCCAAAGCTTCCCAGCGTCGGCAGGACCTGG-3'
Protein context (NP_001123910.1, residues 857-877): AAEDVKAKLH[Glu867Lys]LNQKWEALKA